The following is an entry in ClinVar:

NM_152328.5(ADSS1):c.1202T>C (p.Val401Ala)

Gene: ADSS1 (adenylosuccinate synthase 1; plus strand). Cytogenetic location: 14q32.33.
Variant type: single nucleotide variant.
Coding change: c.1202T>C on transcript NM_152328.5 (MANE Select); coding-DNA position 1202, T replaced by C.
Protein change: p.Val401Ala; replaces valine 401 with alanine.
Molecular consequence: missense variant.
Genome position (GRCh38, 1-based): chr14:104,746,266, T>C. VCF-style: chr14-104746266-T-C. GRCh37 (hg19) VCF-style: chr14-105212603-T-C.
Other names: c.587T>C, p.Val196Ala (NM_001320424.1); c.1331T>C, p.Val444Ala (NM_199165.2); short protein forms V401A, V444A, V196A.
Identifiers: ClinVar variation 2111123 (VCV002111123.4), dbSNP rs1039645435, ClinGen allele CA267337770.

ClinVar aggregate classification (germline): Uncertain significance (1 of 4 stars; one submission).

Submission:

Labcorp Genetics (formerly Invitae), Labcorp
Classification: Uncertain significance. Last evaluated: 2022-07-29. Review status: criteria provided, single submitter. Criteria: Invitae Variant Classification Sherloc (09022015). Collection method: clinical testing. Allele origin: germline.
Comment: This sequence change replaces valine, which is neutral and non-polar, with alanine, which is neutral and non-polar, at codon 444 of the ADSSL1 protein (p.Val444Ala). This variant is not present in population databases (gnomAD no frequency). This variant has not been reported in the literature in individuals affected with ADSSL1-related conditions. Algorithms developed to predict the effect of missense changes on protein structure and function are either unavailable or do not agree on the potential impact of this missense change (SIFT: "Not Available"; PolyPhen-2: "Probably Damaging"; Align-GVGD: "Not Available"). In summary, the available evidence is currently insufficient to determine the role of this variant in disease. Therefore, it has been classified as a Variant of Uncertain Significance.